The following is an entry in ClinVar:

NM_000038.6(APC):c.1383G>A (p.Glu461=)

Gene: APC (APC regulator of Wnt signaling pathway; plus strand). Cytogenetic location: 5q22.2.
Variant type: single nucleotide variant.
Coding change: c.1383G>A on transcript NM_000038.6 (MANE Select); coding-DNA position 1383, G replaced by A.
Protein change: p.Glu461=; no amino-acid change (glutamic acid 461 retained).
Molecular consequence: synonymous variant.
Genome position (GRCh38, 1-based): chr5:112,821,966, G>A. VCF-style: chr5-112821966-G-A. GRCh37 (hg19) VCF-style: chr5-112157663-G-A.
Other names: c.1383G>A, p.Glu461= (NM_001127510.3, NM_001354895.2, NM_001354896.2); c.1329G>A, p.Glu443= (NM_001127511.3); c.1413G>A, p.Glu471= (NM_001354897.2); c.1308G>A, p.Glu436= (NM_001354898.2); c.1299G>A, p.Glu433= (NM_001354899.2); c.1206G>A, p.Glu402= (NM_001354900.2, NM_001354901.2); c.1110G>A, p.Glu370= (NM_001354902.2); c.1080G>A, p.Glu360= (NM_001354903.2); and 3 more.
Identifiers: ClinVar variation 629601 (VCV000629601.15), dbSNP rs1561546239, ClinGen allele CA445755874.

ClinVar aggregate classification (germline): Benign/Likely benign. Review status: criteria provided, multiple submitters, no conflicts (2 of 4 stars). 5 submissions from 5 submitters: Benign (1); Likely benign (4). Last evaluated 2025-11-18.

Conditions:
Hereditary cancer-predisposing syndrome. Also called: Neoplastic Syndromes, Hereditary; Tumor predisposition; Hereditary neoplastic syndrome; Hereditary Cancer Syndrome. Identifiers: Orphanet 140162, MedGen C0027672, MeSH D009386, MONDO:0015356.
Familial adenomatous polyposis 1 (FAP1). Also called: POLYPOSIS, ADENOMATOUS INTESTINAL; FAMILIAL ADENOMATOUS POLYPOSIS 1, ATTENUATED. Identifiers: MedGen C2713442, MONDO:0021056, OMIM 175100. Disease mechanism: loss of function.

Allele frequency attached by ClinVar (database versions not stated): gnomAD exomes below 0.00001.
gnomAD v4.1: 2 of 1,612,418 alleles (0.00012%); highest among the groups gnomAD compares: South Asian, 0.0011%; no homozygotes.

Submissions (5):

Labcorp Genetics (formerly Invitae), Labcorp
Classification: Likely benign for Familial adenomatous polyposis 1. Last evaluated: 2025-11-18. Review status: criteria provided, single submitter. Criteria: Invitae Variant Classification Sherloc (09022015). Collection method: clinical testing. Allele origin: germline.

Myriad Genetics, Inc.
Classification: Benign for Familial adenomatous polyposis 1. Last evaluated: 2024-03-01. Review status: criteria provided, single submitter. Criteria: Myriad Autosomal Dominant, Autosomal Recessive and X-Linked Classification Criteria (2023). Collection method: clinical testing. Allele origin: unknown.
Comment: This variant is considered benign. This variant is a silent/synonymous amino acid change and it is not expected to impact splicing.

Ambry Genetics
Classification: Likely benign for Hereditary cancer-predisposing syndrome. Last evaluated: 2023-04-03. Review status: criteria provided, single submitter. Criteria: Ambry Variant Classification Scheme 2023. Collection method: clinical testing. Allele origin: germline.

Color Diagnostics, LLC DBA Color Health
Classification: Likely benign for Hereditary cancer-predisposing syndrome. Last evaluated: 2018-10-19. Review status: criteria provided, single submitter. Criteria: ACMG Guidelines, 2015. Collection method: clinical testing. Allele origin: germline.

GeneDx
Classification: Likely benign. Last evaluated: 2018-04-26. Review status: criteria provided, single submitter. Criteria: GeneDx Variant Classification (06012015). Collection method: clinical testing. Allele origin: germline. Affected: yes.
Comment: This variant is considered likely benign or benign based on one or more of the following criteria: it is a conservative change, it occurs at a poorly conserved position in the protein, it is predicted to be benign by multiple in silico algorithms, and/or has population frequency not consistent with disease.